The following is an entry in ClinVar:

NM_178172.6(GPIHBP1):c.296-11_296-9delinsTCT

Gene: GPIHBP1 (glycosylphosphatidylinositol anchored high density lipoprotein binding protein 1; plus strand). Cytogenetic location: 8q24.3.
Variant type: Indel.
Coding change: c.296-11_296-9delinsTCT on transcript NM_178172.6 (MANE Select); 11 bases into the intron before coding-DNA position 296 through 9 bases into the intron before coding-DNA position 296, CCC replaced by TCT.
Molecular consequence: intron variant.
Genome position (GRCh38, 1-based): chr8:143,215,248-143,215,250, CCC replaced by TCT. VCF-style: chr8-143215248-CCC-TCT. GRCh37 (hg19) VCF-style: chr8-144297123-CCC-TCT.
Other names: c.296-11_296-9delinsTCT (NM_001301772.2).
Identifiers: ClinVar variation 1321790 (VCV001321790.4), dbSNP rs2130673230, ClinGen allele CA2573052979.
Genomic context (GRCh38, chr8:143,215,248, plus strand): 5'-AACAGAGCCCTGCAGAGCCACCTCAGAGACCCCGCCCATCCTCAGCACTTGTTCCCCACT[CCC>TCT]CTTCCCAGAGTCAGGCCTCCTGACCACCCACTCCACGTGGTGCACAGACAGCTGCCAGCC-3'

ClinVar aggregate classification (germline): Likely benign (1 of 4 stars; one submission).

Submission:

GeneDx
Classification: Likely benign. Last evaluated: 2023-04-17. Review status: criteria provided, single submitter. Criteria: GeneDx Variant Classification Process June 2021. Collection method: clinical testing. Allele origin: germline. Affected: yes.
Comment: See Variant Classification Assertion Criteria.